The following is an entry in ClinVar:

ClinVar aggregate classification (germline): Uncertain significance (1 of 4 stars; one submission).

Conditions:
Spastic paraplegia. Identifiers: MedGen C0037772, HP:0001258.

Allele frequency attached by ClinVar (database versions not stated): gnomAD exomes below 0.00001.
gnomAD v4.1: 3 of 1,563,412 alleles (0.00019%); highest among the groups gnomAD compares: Admixed American, 0.005%; no homozygotes.

Submission:

Labcorp Genetics (formerly Invitae), Labcorp
Classification: Uncertain significance for Spastic paraplegia. Last evaluated: 2022-08-06. Review status: criteria provided, single submitter. Criteria: Invitae Variant Classification Sherloc (09022015). Collection method: clinical testing. Allele origin: germline.
Comment: This variant has not been reported in the literature in individuals affected with HSPD1-related conditions. Algorithms developed to predict the effect of missense changes on protein structure and function (SIFT, PolyPhen-2, Align-GVGD) all suggest that this variant is likely to be tolerated. In summary, the available evidence is currently insufficient to determine the role of this variant in disease. Therefore, it has been classified as a Variant of Uncertain Significance. This sequence change replaces phenylalanine, which is neutral and non-polar, with valine, which is neutral and non-polar, at codon 219 of the HSPD1 protein (p.Phe219Val). This variant is present in population databases (no rsID available, gnomAD 0.009%).

NM_002156.5(HSPD1):c.655T>G (p.Phe219Val)

Gene: HSPD1 (heat shock protein family D (Hsp60) member 1; minus strand). Cytogenetic location: 2q33.1.
Variant type: single nucleotide variant.
Coding change: c.655T>G on transcript NM_002156.5 (MANE Select); coding-DNA position 655, T replaced by G.
Protein change: p.Phe219Val; replaces phenylalanine 219 with valine.
Molecular consequence: missense variant.
Genome position (GRCh38, 1-based): chr2:197,494,202, A>C on the plus strand (T>G on the coding strand, the complement: HSPD1 is on the minus strand). VCF-style: chr2-197494202-A-C. GRCh37 (hg19) VCF-style: chr2-198358926-A-C.
Other names: c.655T>G, p.Phe219Val (NM_199440.2); short protein forms F219V.
Identifiers: ClinVar variation 1979448 (VCV001979448.4), dbSNP rs1278233992, ClinGen allele CA350201918.